The following is an entry in ClinVar:

ClinVar aggregate classification (germline): Uncertain significance. Review status: criteria provided, multiple submitters, no conflicts (2 of 4 stars). 2 submissions from 2 submitters: Uncertain significance (2). Last evaluated 2025-05-09.

Conditions:
Hereditary cancer-predisposing syndrome. Also called: Neoplastic Syndromes, Hereditary; Tumor predisposition; Hereditary neoplastic syndrome; Hereditary Cancer Syndrome. Identifiers: Orphanet 140162, MedGen C0027672, MeSH D009386, MONDO:0015356.
Familial cancer of breast. Also called: hereditary breast carcinoma; Hereditary breast cancer; BREAST CANCER, FAMILIAL. Identifiers: Orphanet 227535, MedGen C0346153, MONDO:0016419, OMIM 114480. Disease mechanism: loss of function.

Submissions (2):

Ambry Genetics
Classification: Uncertain significance for Hereditary cancer-predisposing syndrome. Last evaluated: 2025-05-09. Review status: criteria provided, single submitter. Criteria: Ambry Variant Classification Scheme 2023. Collection method: clinical testing. Allele origin: germline.
Comment: The c.1569-3C>G intronic variant results from a C to G substitution 3 nucleotides upstream from coding exon 7 in the BARD1 gene. This nucleotide position is highly conserved in available vertebrate species. In silico splice site analysis predicts that this alteration will weaken the native splice acceptor site; however, direct evidence is insufficient at this time (Ambry internal data). Based on the available evidence, the clinical significance of this variant remains unclear.

Labcorp Genetics (formerly Invitae), Labcorp
Classification: Uncertain significance for Familial cancer of breast. Last evaluated: 2023-03-14. Review status: criteria provided, single submitter. Criteria: Invitae Variant Classification Sherloc (09022015). Collection method: clinical testing. Allele origin: germline.
Comment: In summary, the available evidence is currently insufficient to determine the role of this variant in disease. Therefore, it has been classified as a Variant of Uncertain Significance. Variants that disrupt the consensus splice site are a relatively common cause of aberrant splicing (PMID: 17576681, 9536098). Algorithms developed to predict the effect of sequence changes on RNA splicing suggest that this variant may disrupt the consensus splice site. ClinVar contains an entry for this variant (Variation ID: 1353774). This variant has not been reported in the literature in individuals affected with BARD1-related conditions. This variant is not present in population databases (gnomAD no frequency). This sequence change falls in intron 6 of the BARD1 gene. It does not directly change the encoded amino acid sequence of the BARD1 protein. It affects a nucleotide within the consensus splice site.

Literature cited by the submitters: PubMed 17576681 (cited by Labcorp Genetics (formerly Invitae), Labcorp); PubMed 9536098 (cited by Labcorp Genetics (formerly Invitae), Labcorp).

NM_000465.4(BARD1):c.1569-3C>G

Gene: BARD1 (BRCA1 associated RING domain 1; minus strand). Cytogenetic location: 2q35.
Variant type: single nucleotide variant.
Coding change: c.1569-3C>G on transcript NM_000465.4 (MANE Select); 3 bases into the intron before coding-DNA position 1569, C replaced by G.
Molecular consequence: intron variant.
Genome position (GRCh38, 1-based): chr2:214,752,558, G>C on the plus strand (C>G on the coding strand, the complement: BARD1 is on the minus strand). VCF-style: chr2-214752558-G-C. GRCh37 (hg19) VCF-style: chr2-215617282-G-C.
Other names: c.1569-3C>G (NM_000465.2); c.159-3C>G (NM_001282548.2); c.1512-3C>G (NM_001282543.2); c.216-3C>G (NM_001282545.2); c.365-22050C>G (NM_001282549.2).
Identifiers: ClinVar variation 1353774 (VCV001353774.8), dbSNP rs1553616422, ClinGen allele CA2573135111.